The following is an entry in ClinVar:

NM_006231.4(POLE):c.4131G>C (p.Glu1377Asp)

Gene: POLE (DNA polymerase epsilon, catalytic subunit; minus strand). Cytogenetic location: 12q24.33.
Variant type: single nucleotide variant.
Coding change: c.4131G>C on transcript NM_006231.4 (MANE Select); coding-DNA position 4131, G replaced by C.
Protein change: p.Glu1377Asp; replaces glutamic acid 1377 with aspartic acid.
Molecular consequence: missense variant.
Genome position (GRCh38, 1-based): chr12:132,648,947, C>G on the plus strand (G>C on the coding strand, the complement: POLE is on the minus strand). VCF-style: chr12-132648947-C-G. GRCh37 (hg19) VCF-style: chr12-133225533-C-G.
Other names: c.4131G>C (NM_006231.2); short protein forms E1377D.
Identifiers: ClinVar variation 1006329 (VCV001006329.10), dbSNP rs2042350167, ClinGen allele CA387383622.

ClinVar aggregate classification (germline): Uncertain significance. Review status: criteria provided, multiple submitters, no conflicts (2 of 4 stars). 2 submissions from 2 submitters: Uncertain significance (2). Last evaluated 2025-10-01.

Conditions:
Hereditary cancer-predisposing syndrome. Also called: Hereditary neoplastic syndrome; Neoplastic Syndromes, Hereditary; Tumor predisposition; Hereditary Cancer Syndrome. Identifiers: Orphanet 140162, MedGen C0027672, MeSH D009386, MONDO:0015356.

Submissions (2):

Labcorp Genetics (formerly Invitae), Labcorp
Classification: Uncertain significance. Last evaluated: 2025-10-01. Review status: criteria provided, single submitter. Criteria: Invitae Variant Classification Sherloc (09022015). Collection method: clinical testing. Allele origin: germline.
Comment: This sequence change replaces glutamic acid, which is acidic and polar, with aspartic acid, which is acidic and polar, at codon 1377 of the POLE protein (p.Glu1377Asp). This variant is not present in population databases (gnomAD no frequency). This variant has not been reported in the literature in individuals affected with POLE-related conditions. ClinVar contains an entry for this variant (Variation ID: 1006329). Invitae Evidence Modeling of protein sequence and biophysical properties (such as structural, functional, and spatial information, amino acid conservation, physicochemical variation, residue mobility, and thermodynamic stability) indicates that this missense variant is not expected to disrupt POLE protein function with a negative predictive value of 80%. In summary, the available evidence is currently insufficient to determine the role of this variant in disease. Therefore, it has been classified as a Variant of Uncertain Significance.

Ambry Genetics
Classification: Uncertain significance for Hereditary cancer-predisposing syndrome. Last evaluated: 2025-05-03. Review status: criteria provided, single submitter. Criteria: Ambry Variant Classification Scheme 2023. Collection method: clinical testing. Allele origin: germline.
Comment: The p.E1377D variant (also known as c.4131G>C), located in coding exon 32 of the POLE gene, results from a G to C substitution at nucleotide position 4131. The glutamic acid at codon 1377 is replaced by aspartic acid, an amino acid with highly similar properties. This amino acid position is conserved. In addition, this alteration is predicted to be tolerated by in silico analysis. Based on the available evidence, the clinical significance of this variant remains unclear.